The following is an entry in ClinVar:

ClinVar aggregate classification (germline): Uncertain significance (1 of 4 stars; one submission).

Conditions:
Hereditary cancer-predisposing syndrome. Also called: Neoplastic Syndromes, Hereditary; Tumor predisposition; Hereditary Cancer Syndrome; Hereditary neoplastic syndrome. Identifiers: Orphanet 140162, MedGen C0027672, MeSH D009386, MONDO:0015356.

Submission:

Ambry Genetics
Classification: Uncertain significance for Hereditary cancer-predisposing syndrome. Last evaluated: 2022-08-19. Review status: criteria provided, single submitter. Criteria: Ambry Variant Classification Scheme 2023. Collection method: clinical testing. Allele origin: germline.
Comment: The p.D216Y variant (also known as c.646G>T), located in coding exon 5 of the FH gene, results from a G to T substitution at nucleotide position 646. The aspartic acid at codon 216 is replaced by tyrosine, an amino acid with highly dissimilar properties. This amino acid position is well conserved in available vertebrate species. In addition, this alteration is predicted to be deleterious by in silico analysis. Since supporting evidence is limited at this time, the clinical significance of this alteration remains unclear.

NM_000143.4(FH):c.646G>T (p.Asp216Tyr)

Gene: FH (fumarate hydratase; minus strand). Cytogenetic location: 1q43.
Variant type: single nucleotide variant.
Coding change: c.646G>T on transcript NM_000143.4 (MANE Select); coding-DNA position 646, G replaced by T.
Protein change: p.Asp216Tyr; replaces aspartic acid 216 with tyrosine.
Molecular consequence: missense variant.
Genome position (GRCh38, 1-based): chr1:241,508,695, C>A on the plus strand (G>T on the coding strand, the complement: FH is on the minus strand). VCF-style: chr1-241508695-C-A. GRCh37 (hg19) VCF-style: chr1-241671995-C-A.
Other names: short protein forms D216Y.
Identifiers: ClinVar variation 1753709 (VCV001753709.2), dbSNP rs2147919575, ClinGen allele CA345439321.
Genomic context (GRCh38, chr1:241,508,695, plus strand): 5'-TATGAGTACGTCCAATCTTGATGATCTGTGCAAACTCTTTGGATTTTGCATCAAGAGCAT[C>A]ATGTAACTTCTGTAGTCCTGGTAACAGTACTTCATGAACTTCTATTGCAGCAGCAATGTG-3'
Protein context (NP_000134.2, residues 206-226): VLLPGLQKLH[Asp216Tyr]ALDAKSKEFA